The following is an entry in ClinVar:

ClinVar aggregate classification (germline): Uncertain significance (1 of 4 stars; one submission).

Submission:

Labcorp Genetics (formerly Invitae), Labcorp
Classification: Uncertain significance. Last evaluated: 2025-08-06. Review status: criteria provided, single submitter. Criteria: Invitae Variant Classification Sherloc (09022015). Collection method: clinical testing. Allele origin: germline.
Comment: This sequence change replaces isoleucine, which is neutral and non-polar, with leucine, which is neutral and non-polar, at codon 1305 of the KMT2A protein (p.Ile1305Leu). This variant is not present in population databases (gnomAD no frequency). This variant has not been reported in the literature in individuals affected with KMT2A-related conditions. ClinVar contains an entry for this variant (Variation ID: 3634316). Invitae Evidence Modeling of protein sequence and biophysical properties (such as structural, functional, and spatial information, amino acid conservation, physicochemical variation, residue mobility, and thermodynamic stability) indicates that this missense variant is not expected to disrupt KMT2A protein function with a negative predictive value of 95%. In summary, the available evidence is currently insufficient to determine the role of this variant in disease. Therefore, it has been classified as a Variant of Uncertain Significance.

NM_001197104.2(KMT2A):c.3913A>C (p.Ile1305Leu)

Gene: KMT2A (lysine methyltransferase 2A; plus strand). Cytogenetic location: 11q23.3.
Variant type: single nucleotide variant.
Coding change: c.3913A>C on transcript NM_001197104.2 (MANE Select); coding-DNA position 3913, A replaced by C.
Protein change: p.Ile1305Leu; replaces isoleucine 1305 with leucine.
Molecular consequence: missense variant.
Genome position (GRCh38, 1-based): chr11:118,481,993, A>C. VCF-style: chr11-118481993-A-C. GRCh37 (hg19) VCF-style: chr11-118352708-A-C.
Other names: c.4012A>C, p.Ile1338Leu (NM_001412597.1); c.3913A>C, p.Ile1305Leu (NM_005933.4); short protein forms I1338L, I1305L.
Identifiers: ClinVar variation 3634316 (VCV003634316.2).
Genomic context (GRCh38, chr11:118,481,993, plus strand): 5'-CAGGCCACCACTCCAGCTTCCAGGAAGTCAAGCAAGCAGGTCTCCCAGCCAGCACTGGTC[A>C]TCCCGCCTCAGCCACCTACTACAGGACCGCCAAGAAAAGAAGTTCCCAAAACCACTCCTA-3'
Protein context (NP_001184033.1, residues 1295-1315): SKQVSQPALV[Ile1305Leu]PPQPPTTGPP